The following is an entry in ClinVar:

ClinVar aggregate classification (germline): Uncertain significance (1 of 4 stars; one submission).

Conditions:
KBG syndrome (KBGS). Also called: ANKRD11-Related KBG Syndrome. Identifiers: Orphanet 2332, MedGen C0220687, MONDO:0007846, OMIM 148050.

Allele frequency attached by ClinVar (database versions not stated): gnomAD exomes 0.00001 and 0.00002; ExAC 0.00002; gnomAD 0.00005 and 0.00006; TOPMed 0.00006.
gnomAD v4.1: 26 of 1,613,928 alleles (0.0016%); highest among the groups gnomAD compares: African/African-American, 0.015%; no homozygotes.

Submission:

Labcorp Genetics (formerly Invitae), Labcorp
Classification: Uncertain significance for KBG syndrome. Last evaluated: 2025-12-21. Review status: criteria provided, single submitter. Criteria: Invitae Variant Classification Sherloc (09022015). Collection method: clinical testing. Allele origin: germline.
Comment: This sequence change replaces aspartic acid, which is acidic and polar, with asparagine, which is neutral and polar, at codon 1016 of the ANKRD11 protein (p.Asp1016Asn). This variant is present in population databases (rs141871215, gnomAD 0.02%). This missense change has been observed in individual(s) with KBG syndrome (PMID: 34012832). ClinVar contains an entry for this variant (Variation ID: 972190). Invitae Evidence Modeling of protein sequence and biophysical properties (such as structural, functional, and spatial information, amino acid conservation, physicochemical variation, residue mobility, and thermodynamic stability) indicates that this missense variant is not expected to disrupt ANKRD11 protein function with a negative predictive value of 95%. In summary, the available evidence is currently insufficient to determine the role of this variant in disease. Therefore, it has been classified as a Variant of Uncertain Significance.

Literature cited by the submitters: PubMed 34012832.

NM_013275.6(ANKRD11):c.3046G>A (p.Asp1016Asn)

Gene: ANKRD11 (ankyrin repeat domain 11; minus strand). Cytogenetic location: 16q24.3.
Variant type: single nucleotide variant.
Coding change: c.3046G>A on transcript NM_013275.6 (MANE Select); coding-DNA position 3046, G replaced by A.
Protein change: p.Asp1016Asn; replaces aspartic acid 1016 with asparagine.
Molecular consequence: missense variant.
Genome position (GRCh38, 1-based): chr16:89,283,496, C>T on the plus strand (G>A on the coding strand, the complement: ANKRD11 is on the minus strand). VCF-style: chr16-89283496-C-T. GRCh37 (hg19) VCF-style: chr16-89349904-C-T.
Other names: c.3046G>A, p.Asp1016Asn (NM_001256182.2, NM_001256183.2); short protein forms D1016N.
Identifiers: ClinVar variation 972190 (VCV000972190.10), dbSNP rs141871215, ClinGen allele CA8242438.